The following is an entry in ClinVar:

ClinVar aggregate classification (germline): Likely pathogenic. Review status: reviewed by expert panel (3 of 4 stars). 12 submissions from 12 submitters: Likely pathogenic (1). 11 of the submissions do not count toward it. Last evaluated 2026-05-06.

Conditions:
Recombinase activating gene 1 deficiency. Identifiers: MedGen CN375631, MONDO:0000572.
Combined immunodeficiency with skin granulomas. Identifiers: Orphanet 157949, MedGen C2673536, MONDO:0009306, OMIM 233650.
Combined immunodeficiency due to partial RAG1 deficiency. Identifiers: Orphanet 231154, MedGen C1835931, MONDO:0012359, OMIM 609889.
Histiocytic medullary reticulosis. Also called: SEVERE COMBINED IMMUNODEFICIENCY WITH HYPEREOSINOPHILIA; Omenn syndrome. Identifiers: Orphanet 39041, MedGen C2700553, MONDO:0011338, OMIM 603554.
Severe combined immunodeficiency, autosomal recessive, T cell-negative, B cell-negative, NK cell-positive. Also called: SCID, AR, T-cell negative, B-cell negative, NK cell-positive; Severe combined immunodeficiency due to complete RAG1/2 deficiency; SCID, T CELL-NEGATIVE, B CELL-NEGATIVE, NK CELL-POSITIVE. Identifiers: Orphanet 331206, MedGen C1832322, MONDO:0011086, OMIM 601457.

Allele frequency attached by ClinVar (database versions not stated): gnomAD exomes 0.00001; ExAC 0.00002; gnomAD 0.00002.
gnomAD v4.1: 10 of 1,613,786 alleles (0.00062%); highest among the groups gnomAD compares: Middle Eastern, 0.016%; no homozygotes.

Submissions (12):

ClinGen Severe Combined Immunodeficiency Variant Curation Expert Panel, ClinGen
Classification: Likely pathogenic for Recombinase activating gene 1 deficiency. Last evaluated: 2026-05-06. Review status: reviewed by expert panel. Criteria: ClinGen SCID ACMG Specifications RAG1 V2.1.0. Collection method: curation. Allele origin: germline. Inheritance: Autosomal recessive inheritance.
Comment: NM_000448.3(RAG1):c.2095C>T is a missense variant predicted to cause substitution of Arginine by Tryptophan at amino acid 699 (p.Arg699Trp).The filtering allele frequency (the upper threshold of the 95% CI of 5/1179830) of the c.2095C>T variant in RAG1 is 0.000001320 for European Non-Finnish chromosomes by gnomAD v4, which is lower than the ClinGen SCID VCEP threshold (<0.000102) for PM2_Supporting, and therefore meets this criterion (PM2_Supporting).This missense variant is located in the core domain (amino acids 387-1011) (PM1_supporting).Patient with SCID (0.5 pt.), genome sequencing conducted (0.5 pt.),T-B-NK+ lymphocyte subset profile (0.5 pt.) Total :1.5 pts. (PMID: 29107076) (PP4). The VDJ recombination activity was found to be 19.3 +/- 1.8 % of WT (mean +/- SE) in a flow cytometry based assay. PMID : 24290284 (PS3_Moderate).The patient (PMID: 21771083) was found heterozygous for R699W & Y1001X (not yet curated by SCID VCEP); p.R699W & p.393fsX402 (not yet curated by SCID VCEP)(PMID: 21184155); homozygous in 3 individuals (PMIDs: 24122031,31503426, 32447396) (Pt.: 1)(PM3). In summary, this variant meets the criteria to be classified as Likely Pathogenic variant for autosomal recessive severe combined immunodeficiency due to RAG1 deficiency based on the ACMG/AMP criteria applied, as specified by the ClinGen SCID VCEP: PM1_supporting,PM2_Supporting, PP4,PS3_Moderate,PM3(VCEP specifications version 2.1.0).

First Genomix Gene Laboratory, Genetic Diagnostics Department
Classification: Pathogenic for Combined immunodeficiency with skin granulomas; Histiocytic medullary reticulosis; Severe combined immunodeficiency, autosomal recessive, T cell-negative, B cell-negative, NK cell-positive. Last evaluated: 2025-05-29. Review status: criteria provided, single submitter. Criteria: ACMG Guidelines, 2015. Collection method: clinical testing. Allele origin: germline. Inheritance: Autosomal recessive inheritance. Affected: no. Observed: 1 variant allele. Not counted in ClinVar's aggregate classification.

Labcorp Genetics (formerly Invitae), Labcorp
Classification: Pathogenic for Combined immunodeficiency with skin granulomas; Severe combined immunodeficiency, autosomal recessive, T cell-negative, B cell-negative, NK cell-positive. Last evaluated: 2024-09-29. Review status: criteria provided, single submitter. Criteria: Invitae Variant Classification Sherloc (09022015). Collection method: clinical testing. Allele origin: germline. Not counted in ClinVar's aggregate classification.
Comment: This sequence change replaces arginine, which is basic and polar, with tryptophan, which is neutral and slightly polar, at codon 699 of the RAG1 protein (p.Arg699Trp). This variant is present in population databases (rs199474676, gnomAD 0.02%). This missense change has been observed in individuals with RAG1-related diseases (PMID: 20956421, 21184155, 21771083, 24122031, 24290284). This variant is also known as 2219C>T. ClinVar contains an entry for this variant (Variation ID: 68689). Invitae Evidence Modeling of protein sequence and biophysical properties (such as structural, functional, and spatial information, amino acid conservation, physicochemical variation, residue mobility, and thermodynamic stability) has been performed for this missense variant. However, the output from this modeling did not meet the statistical confidence thresholds required to predict the impact of this variant on RAG1 protein function. Experimental studies have shown that this missense change affects RAG1 function (PMID: 24290284). This variant disrupts the p.Arg699 amino acid residue in RAG1. Other variant(s) that disrupt this residue have been observed in individuals with RAG1-related conditions (PMID: 24290284), which suggests that this may be a clinically significant amino acid residue. For these reasons, this variant has been classified as Pathogenic.

Institute of Medical Genetics and Applied Genomics, University Hospital Tübingen
Classification: Pathogenic for Histiocytic medullary reticulosis. Last evaluated: 2024-09-25. Review status: criteria provided, single submitter. Criteria: ACMG Guidelines, 2015. Collection method: clinical testing. Allele origin: germline. Inheritance: Autosomal recessive inheritance. Affected: yes. Not counted in ClinVar's aggregate classification.

Fulgent Genetics
Classification: Pathogenic for Combined immunodeficiency with skin granulomas; Severe combined immunodeficiency, autosomal recessive, T cell-negative, B cell-negative, NK cell-positive; Histiocytic medullary reticulosis; Combined immunodeficiency due to partial RAG1 deficiency. Last evaluated: 2024-04-03. Review status: criteria provided, single submitter. Criteria: ACMG Guidelines, 2015. Collection method: clinical testing. Allele origin: germline. Not counted in ClinVar's aggregate classification.

Baylor Genetics
Classification: Pathogenic for Combined immunodeficiency due to partial RAG1 deficiency. Last evaluated: 2024-02-01. Review status: criteria provided, single submitter. Criteria: ACMG Guidelines, 2015. Collection method: clinical testing. Allele origin: unknown. Not counted in ClinVar's aggregate classification.

Genomics Facility, Ludwig-Maximilians-Universität München
Classification: Likely pathogenic for Histiocytic medullary reticulosis. Last evaluated: 2021-12-28. Review status: criteria provided, single submitter. Criteria: ACMG Guidelines, 2015. Collection method: clinical testing. Allele origin: biparental. Inheritance: Autosomal recessive inheritance. Affected: yes. Not counted in ClinVar's aggregate classification.

Laboratory of Medical Genetics, National & Kapodistrian University of Athens
Classification: Uncertain significance for Histiocytic medullary reticulosis. Last evaluated: 2021-10-06. Review status: criteria provided, single submitter. Criteria: ACMG Guidelines, 2015. Collection method: clinical testing. Allele origin: unknown. Not counted in ClinVar's aggregate classification.
Comment: PM2, PP3, PP5

Beijing Key Laboratry for Genetics of Birth Defects, Beijing Children's Hospital
Classification: Pathogenic for Severe combined immunodeficiency, autosomal recessive, T cell-negative, B cell-negative, NK cell-positive. Last evaluated: 2020-12-20. Review status: criteria provided, single submitter. Criteria: ACMG Guidelines, 2015. Collection method: clinical testing. Allele origin: germline. Affected: yes. Observed: 1 variant allele. Not counted in ClinVar's aggregate classification.

Juno Genomics, Hangzhou Juno Genomics, Inc
Classification: Pathogenic for Combined immunodeficiency due to partial RAG1 deficiency; Combined immunodeficiency with skin granulomas; Histiocytic medullary reticulosis; Severe combined immunodeficiency, autosomal recessive, T cell-negative, B cell-negative, NK cell-positive. Review status: criteria provided, single submitter. Criteria: ACMG Guidelines, 2015. Collection method: clinical testing. Allele origin: germline. Not counted in ClinVar's aggregate classification.
Comment: Absent from controls (or at extremely low frequency if recessive) in Genome Aggregation Database.;Located in a mutational hot spot and/or critical and well-established functional domain without benign variation.;Well-established in vitro or in vivo functional studies supportive of a damaging effect on the gene or gene product.;For recessive disorders, detected in trans with a pathogenic variant.;Patient's phenotype or family history is highly specific for a disease with a single genetic etiology.

Hacettepe Dept. of Bioinformatics Rare Diseases Research Center, Institute of Health Sciences
Classification: Pathogenic for Severe combined immunodeficiency, autosomal recessive, T cell-negative, B cell-negative, NK cell-positive. Last evaluated: 2019-02-25. Review status: no assertion criteria provided. Collection method: clinical testing. Allele origin: germline. Inheritance: Autosomal recessive inheritance. Affected: yes. Observed: 1 variant allele, 1 homozygote. Not counted in ClinVar's aggregate classification.
Comment: The c.2095C>T; p.Arg699Trp variant in RAG1 has been reported in several families with autosomal recessive Severe combined immunodeficiency, Omenn syndrome, and Combined cellular and humoral immune defects with granulomas) (Reiff 2013, Avila 2010, Zhang 2011, Lee 2011, Lee 2014). Besides, a ClinVar entry is present for this variant with the variation ID: 68689). The c.2095C>T; p.Arg699Trp was observed in the gnomAD database with a low minor allele frequency without any homozygous individuals (MAF: 0.0000142). In summary, the p.Arg699Trp variant meets our criteria to be classified as pathogenic along with previously published articles

UniProtKB/Swiss-Prot
No classification provided. Review status: no classification provided. Collection method: not provided. Allele origin: not provided. Not counted in ClinVar's aggregate classification.

Literature cited by the submitters: PubMed 20956421 (cited by Labcorp Genetics (formerly Invitae), Labcorp and Beijing Key Laboratry for Genetics of Birth Defects, Beijing Children's Hospital); PubMed 21184155 (cited by Labcorp Genetics (formerly Invitae), Labcorp); PubMed 21771083 (cited by Labcorp Genetics (formerly Invitae), Labcorp and Beijing Key Laboratry for Genetics of Birth Defects, Beijing Children's Hospital); PubMed 24122031 (cited by Labcorp Genetics (formerly Invitae), Labcorp and Beijing Key Laboratry for Genetics of Birth Defects, Beijing Children's Hospital); PubMed 24290284 (cited by Labcorp Genetics (formerly Invitae), Labcorp and Beijing Key Laboratry for Genetics of Birth Defects, Beijing Children's Hospital); PubMed 29107076 (cited by Beijing Key Laboratry for Genetics of Birth Defects, Beijing Children's Hospital and Hacettepe Dept. of Bioinformatics Rare Diseases Research Center, Institute of Health Sciences); PubMed 31503426 (cited by Beijing Key Laboratry for Genetics of Birth Defects, Beijing Children's Hospital); PubMed 32447396 (cited by Hacettepe Dept. of Bioinformatics Rare Diseases Research Center, Institute of Health Sciences).

NM_000448.3(RAG1):c.2095C>T (p.Arg699Trp)

Gene: RAG1 (recombination activating 1; plus strand). Cytogenetic location: 11p12.
Variant type: single nucleotide variant.
Coding change: c.2095C>T on transcript NM_000448.3 (MANE Select); coding-DNA position 2095, C replaced by T.
Protein change: p.Arg699Trp; replaces arginine 699 with tryptophan.
Molecular consequence: missense variant.
Genome position (GRCh38, 1-based): chr11:36,575,399, C>T. VCF-style: chr11-36575399-C-T. GRCh37 (hg19) VCF-style: chr11-36596949-C-T.
Other names: NM_000448.3(RAG1):c.2095C>T; c.2095C>T, p.Arg699Trp (NM_001377277.1, NM_001377278.1, NM_001377279.1 and 1 more transcripts); short protein forms R699W.
Identifiers: ClinVar variation 68689 (VCV000068689.23), dbSNP rs199474676, ClinGen allele CA219824.